The following is an entry in ClinVar:

ClinVar aggregate classification (germline): Uncertain significance. Review status: criteria provided, multiple submitters, no conflicts (2 of 4 stars). 3 submissions from 3 submitters: Uncertain significance (3). Last evaluated 2025-01-21.

Conditions:
Imerslund-Grasbeck syndrome type 1 (IGS1). Also called: Imerslund-Gräsbeck syndrome 1; Megaloblastic anemia 1, Finnish type; MEGALOBLASTIC ANEMIA, 1. Identifiers: MedGen C4016819, MONDO:0100156, OMIM 261100.
Proteinuria, chronic benign. Identifiers: MedGen C5394384, MONDO:0030042, OMIM 618884.
Inborn genetic diseases. Identifiers: MedGen C0950123, MeSH D030342.
Imerslund-Grasbeck syndrome. Also called: ENTEROCYTE COBALAMIN MALABSORPTION; ENTEROCYTE INTRINSIC FACTOR RECEPTOR, DEFECT OF; PERNICIOUS ANEMIA, JUVENILE, DUE TO SELECTIVE INTESTINAL MALABSORPTION OF VITAMIN B12, WITH PROTEINURIA; Imerslund-Gräsbeck syndrome; Megaloblastic anemia due to inborn errors of metabolism. Identifiers: Orphanet 35858, MedGen C4551825, MONDO:0009853.

Allele frequency attached by ClinVar (database versions not stated): ESP Exome Variant Server 0.00008; 1000 Genomes Project 30x 0.00016; ExAC 0.00002; 1000 Genomes Project 0.00020.
gnomAD v4.1: 29 of 1,613,674 alleles (0.0018%); highest among the groups gnomAD compares: Middle Eastern, 0.033%; no homozygotes.

Submissions (3):

Ambry Genetics
Classification: Uncertain significance for Inborn genetic diseases. Last evaluated: 2025-01-21. Review status: criteria provided, single submitter. Criteria: Ambry Variant Classification Scheme 2023. Collection method: clinical testing. Allele origin: germline.

Fulgent Genetics
Classification: Uncertain significance for Imerslund-Grasbeck syndrome type 1; Proteinuria, chronic benign. Last evaluated: 2024-03-27. Review status: criteria provided, single submitter. Criteria: ACMG Guidelines, 2015. Collection method: clinical testing. Allele origin: germline.

Labcorp Genetics (formerly Invitae), Labcorp
Classification: Uncertain significance for Imerslund-Grasbeck syndrome. Last evaluated: 2022-06-24. Review status: criteria provided, single submitter. Criteria: Invitae Variant Classification Sherloc (09022015). Collection method: clinical testing. Allele origin: germline.
Comment: This sequence change replaces histidine, which is basic and polar, with glutamine, which is neutral and polar, at codon 2842 of the CUBN protein (p.His2842Gln). This variant is present in population databases (rs192775509, gnomAD 0.007%). This variant has not been reported in the literature in individuals affected with CUBN-related conditions. Algorithms developed to predict the effect of missense changes on protein structure and function output the following: SIFT: "Tolerated"; PolyPhen-2: "Benign"; Align-GVGD: "Class C0". The glutamine amino acid residue is found in multiple mammalian species, which suggests that this missense change does not adversely affect protein function. In summary, the available evidence is currently insufficient to determine the role of this variant in disease. Therefore, it has been classified as a Variant of Uncertain Significance.

NM_001081.4(CUBN):c.8526C>G (p.His2842Gln)

Gene: CUBN (cubilin; minus strand). Cytogenetic location: 10p13.
Variant type: single nucleotide variant.
Coding change: c.8526C>G on transcript NM_001081.4 (MANE Select); coding-DNA position 8526, C replaced by G.
Protein change: p.His2842Gln; replaces histidine 2842 with glutamine.
Molecular consequence: missense variant.
Genome position (GRCh38, 1-based): chr10:16,899,068, G>C on the plus strand (C>G on the coding strand, the complement: CUBN is on the minus strand). VCF-style: chr10-16899068-G-C. GRCh37 (hg19) VCF-style: chr10-16941067-G-C.
Other names: short protein forms H2842Q.
Identifiers: ClinVar variation 2194935 (VCV002194935.3), dbSNP rs192775509, ClinGen allele CA5423004.